The following is an entry in ClinVar:

NM_130837.3(OPA1):c.785G>A (p.Arg262His)

Genes: OPA1 (OPA1 mitochondrial dynamin like GTPase; plus strand), OPA1-AS1 (OPA1 antisense RNA 1; minus strand). Cytogenetic location: 3q29.
Variant type: single nucleotide variant.
Coding change: c.785G>A on transcript NM_130837.3 (MANE Select); coding-DNA position 785, G replaced by A.
Protein change: p.Arg262His; replaces arginine 262 with histidine.
Molecular consequence: missense variant. On other transcripts: intron variant (5).
Genome position (GRCh38, 1-based): chr3:193,626,198, G>A. VCF-style: chr3-193626198-G-A. GRCh37 (hg19) VCF-style: chr3-193343987-G-A.
Other names: c.251G>A, p.Arg84His (NM_001354663.2); c.623G>A, p.Arg208His (NM_130833.3); c.677G>A, p.Arg226His (NM_130835.3); c.731G>A, p.Arg244His (NM_130836.3); c.253-5414G>A (NM_001354664.2); c.679-5414G>A (NM_130834.3); c.625-5414G>A (NM_015560.3); c.571-5414G>A (NM_130832.3); and 1 more; short protein forms R208H, R226H, R244H, R262H, R84H.
Identifiers: ClinVar variation 1317203 (VCV001317203.6), dbSNP rs201202646, ClinGen allele CA2759140.

ClinVar aggregate classification (germline): Conflicting classifications of pathogenicity. Review status: criteria provided, conflicting classifications (1 of 4 stars). 2 submissions from 2 submitters: Uncertain significance (1); Likely benign (1). Last evaluated 2025-12-03.

Allele frequency attached by ClinVar (database versions not stated): 1000 Genomes Project 30x 0.00016.
gnomAD v4.1: 31 of 1,611,516 alleles (0.0019%); highest among the groups gnomAD compares: Non-Finnish European, 0.0023%; no homozygotes.

Submissions (2):

Labcorp Genetics (formerly Invitae), Labcorp
Classification: Likely benign. Last evaluated: 2025-12-03. Review status: criteria provided, single submitter. Criteria: Invitae Variant Classification Sherloc (09022015). Collection method: clinical testing. Allele origin: germline.

GeneDx
Classification: Uncertain significance. Last evaluated: 2019-07-17. Review status: criteria provided, single submitter. Criteria: GeneDx Variant Classification Process June 2021. Collection method: clinical testing. Allele origin: germline. Affected: yes.
Comment: Not observed at a significant frequency in large population cohorts (Lek et al., 2016); In silico analysis, which includes splice predictors and evolutionary conservation, supports that this variant does not alter protein structure/function; Has not been previously published as pathogenic or benign to our knowledge